The following is an entry in ClinVar:

NM_024537.4(CARS2):c.988-1G>A

Gene: CARS2 (cysteinyl-tRNA synthetase 2, mitochondrial; minus strand). Cytogenetic location: 13q34.
Variant type: single nucleotide variant.
Coding change: c.988-1G>A on transcript NM_024537.4 (MANE Select); the canonical splice acceptor site of the intron before coding-DNA position 988, G replaced by A.
Molecular consequence: splice acceptor variant.
Genome position (GRCh38, 1-based): chr13:110,651,101, C>T on the plus strand (G>A on the coding strand, the complement: CARS2 is on the minus strand). VCF-style: chr13-110651101-C-T. GRCh37 (hg19) VCF-style: chr13-111303448-C-T.
Other names: c.202-1G>A (NM_001352252.2).
Identifiers: ClinVar variation 2127690 (VCV002127690.4), dbSNP rs2501831956, ClinGen allele CA388745156.

ClinVar aggregate classification (germline): Uncertain significance (1 of 4 stars; one submission).

Conditions:
Combined oxidative phosphorylation defect type 27. Also called: Combined oxidative phosphorylation deficiency 27. Identifiers: Orphanet 477774, MedGen C5567608, MONDO:0014728, OMIM 616672.

Submission:

Labcorp Genetics (formerly Invitae), Labcorp
Classification: Uncertain significance for Combined oxidative phosphorylation defect type 27. Last evaluated: 2022-10-24. Review status: criteria provided, single submitter. Criteria: Invitae Variant Classification Sherloc (09022015). Collection method: clinical testing. Allele origin: germline.
Comment: This sequence change affects an acceptor splice site in intron 9 of the CARS2 gene. It is expected to disrupt RNA splicing. Variants that disrupt the donor or acceptor splice site typically lead to a loss of protein function (PMID: 16199547), however the current clinical and genetic evidence is not sufficient to establish whether loss-of-function variants in CARS2 cause disease. This variant is not present in population databases (gnomAD no frequency). This variant has not been reported in the literature in individuals affected with CARS2-related conditions. Algorithms developed to predict the effect of sequence changes on RNA splicing suggest that this variant may disrupt the consensus splice site. In summary, the available evidence is currently insufficient to determine the role of this variant in disease. Therefore, it has been classified as a Variant of Uncertain Significance.

Literature cited by the submitters: PubMed 16199547.